The following is an entry in ClinVar:

ClinVar aggregate classification (germline): Uncertain significance (1 of 4 stars; one submission).

Submission:

GeneDx
Classification: Uncertain significance. Last evaluated: 2022-07-26. Review status: criteria provided, single submitter. Criteria: GeneDx Variant Classification Process June 2021. Collection method: clinical testing. Allele origin: germline. Affected: yes.
Comment: Not observed at significant frequency in large population cohorts (gnomAD); In silico analysis supports that this missense variant has a deleterious effect on protein structure/function; Has not been previously published as pathogenic or benign to our knowledge

NM_000188.3(HK1):c.173C>T (p.Thr58Ile)

Gene: HK1 (hexokinase 1; plus strand). Cytogenetic location: 10q22.1.
Variant type: single nucleotide variant.
Coding change: c.173C>T on transcript NM_000188.3 (MANE Select); coding-DNA position 173, C replaced by T.
Protein change: p.Thr58Ile; replaces threonine 58 with isoleucine.
Molecular consequence: missense variant.
Genome position (GRCh38, 1-based): chr10:69,343,936, C>T. VCF-style: chr10-69343936-C-T. GRCh37 (hg19) VCF-style: chr10-71103692-C-T.
Other names: c.185C>T, p.Thr62Ile (NM_001322364.2, NM_001358263.1, NM_033497.3 and 1 more transcripts); c.278C>T, p.Thr93Ile (NM_001322365.2); c.89C>T, p.Thr30Ile (NM_001322366.1); c.173C>T, p.Thr58Ile (NM_001322367.1); c.170C>T, p.Thr57Ile (NM_033496.3); c.137C>T, p.Thr46Ile (NM_033500.2); short protein forms T30I, T46I, T57I, T58I, T62I, T93I.
Identifiers: ClinVar variation 2412824 (VCV002412824.3), dbSNP rs2540244480, ClinGen allele CA376907563.
Genomic context (GRCh38, chr10:69,343,936, plus strand): 5'-ATATCATGACTCGCTTCAGGAAGGAGATGAAGAATGGCCTCTCCCGGGATTTTAATCCAA[C>T]AGCCACAGTCAAGATGTTGCCAACATTCGTAAGGTCCATTCCTGATGGCTCTGGTAAGTC-3'
Protein context (NP_000179.2, residues 48-68): KNGLSRDFNP[Thr58Ile]ATVKMLPTFV